The following is an entry in ClinVar:

ClinVar aggregate classification (germline): Conflicting classifications of pathogenicity. Review status: criteria provided, conflicting classifications (1 of 4 stars). 2 submissions from 2 submitters: Uncertain significance (1); Likely benign (1). Last evaluated 2025-05-30.

Conditions:
Primary ciliary dyskinesia. Also called: Ciliary dyskinesia. Identifiers: Orphanet 244, MedGen C0008780, MONDO:0016575, HP:0012265.

Allele frequency attached by ClinVar (database versions not stated): gnomAD 0.00003 and 0.00004; TOPMed 0.00008.
gnomAD v4.1: 7 of 1,555,162 alleles (0.00045%); highest among the groups gnomAD compares: Admixed American, 0.0058%; no homozygotes.

Submissions (2):

Ambry Genetics
Classification: Likely benign for Primary ciliary dyskinesia. Last evaluated: 2025-05-30. Review status: criteria provided, single submitter. Criteria: Ambry Variant Classification Scheme 2023. Collection method: clinical testing. Allele origin: germline.

Labcorp Genetics (formerly Invitae), Labcorp
Classification: Uncertain significance for Primary ciliary dyskinesia. Last evaluated: 2022-11-01. Review status: criteria provided, single submitter. Criteria: Invitae Variant Classification Sherloc (09022015). Collection method: clinical testing. Allele origin: germline.
Comment: This sequence change replaces proline, which is neutral and non-polar, with alanine, which is neutral and non-polar, at codon 115 of the DNAAF2 protein (p.Pro115Ala). This variant is present in population databases (no rsID available, gnomAD 0.01%). This variant has not been reported in the literature in individuals affected with DNAAF2-related conditions. ClinVar contains an entry for this variant (Variation ID: 1000800). Advanced modeling of protein sequence and biophysical properties (such as structural, functional, and spatial information, amino acid conservation, physicochemical variation, residue mobility, and thermodynamic stability) performed at Invitae indicates that this missense variant is not expected to disrupt DNAAF2 protein function. In summary, the available evidence is currently insufficient to determine the role of this variant in disease. Therefore, it has been classified as a Variant of Uncertain Significance.

NM_018139.3(DNAAF2):c.343C>G (p.Pro115Ala)

Gene: DNAAF2 (dynein axonemal assembly factor 2; minus strand). Cytogenetic location: 14q21.3.
Variant type: single nucleotide variant.
Coding change: c.343C>G on transcript NM_018139.3 (MANE Select); coding-DNA position 343, C replaced by G.
Protein change: p.Pro115Ala; replaces proline 115 with alanine.
Molecular consequence: missense variant.
Genome position (GRCh38, 1-based): chr14:49,634,807, G>C on the plus strand (C>G on the coding strand, the complement: DNAAF2 is on the minus strand). VCF-style: chr14-49634807-G-C. GRCh37 (hg19) VCF-style: chr14-50101525-G-C.
Other names: c.343C>G (NM_018139.2); c.343C>G, p.Pro115Ala (NM_001083908.2); short protein forms P115A.
Identifiers: ClinVar variation 1000800 (VCV001000800.8), dbSNP rs931555570, ClinGen allele CA260669947.